The following is an entry in ClinVar:

NM_001385641.1(SAMD11):c.2053+1_2053+5del

Gene: SAMD11 (sterile alpha motif domain containing 11; plus strand). Cytogenetic location: 1p36.33.
Variant type: Deletion.
Coding change: c.2053+1_2053+5del on transcript NM_001385641.1 (MANE Select); the canonical splice donor site of the intron after coding-DNA position 2053 through 5 bases into the intron after coding-DNA position 2053, 5 bases deleted (GTGGG; older notation c.2053+1_2053+5delGTGGG).
Molecular consequence: splice donor variant.
Genome position (GRCh38, 1-based): chr1:943,059-943,063, GTGGG deleted; deleting any 5 consecutive bases within chr1:943,058-943,063 gives the same sequence; the c. name uses the placement nearest the transcript's 3' end. VCF-style (leftmost placement, unchanged base first): chr1-943057-AGGTGG-A. GRCh37 (hg19) VCF-style: chr1-878437-AGGTGG-A.
Other names: c.2056+1_2056+5del (NM_001385640.1); c.1564+1_1564+5del (NM_152486.4).
Identifiers: ClinVar variation 1047402 (VCV001047402.6), dbSNP rs1641891005, ClinGen allele CA997652062.

ClinVar aggregate classification (germline): Uncertain significance (1 of 4 stars; one submission).

Submission:

Labcorp Genetics (formerly Invitae), Labcorp
Classification: Uncertain significance. Last evaluated: 2022-11-01. Review status: criteria provided, single submitter. Criteria: Invitae Variant Classification Sherloc (09022015). Collection method: clinical testing. Allele origin: germline.
Comment: In summary, the available evidence is currently insufficient to determine the role of this variant in disease. Therefore, it has been classified as a Variant of Uncertain Significance. Algorithms developed to predict the effect of sequence changes on RNA splicing suggest that this variant may disrupt the consensus splice site. ClinVar contains an entry for this variant (Variation ID: 1047402). This variant has not been reported in the literature in individuals affected with SAMD11-related conditions. This variant is not present in population databases (gnomAD no frequency). This sequence change affects a splice site in intron 11 of the SAMD11 gene. It is expected to disrupt RNA splicing. Variants that disrupt the donor or acceptor splice site typically lead to a loss of protein function (PMID: 16199547), however the current clinical and genetic evidence is not sufficient to establish whether loss-of-function variants in SAMD11 cause disease.

Literature cited by the submitters: PubMed 16199547.